The following is an entry in ClinVar:

NM_201253.3(CRB1):c.2874C>T (p.Ser958=)

Gene: CRB1 (crumbs cell polarity complex component 1; plus strand). Cytogenetic location: 1q31.3.
Variant type: single nucleotide variant.
Coding change: c.2874C>T on transcript NM_201253.3 (MANE Select); coding-DNA position 2874, C replaced by T.
Protein change: p.Ser958=; no amino-acid change (serine 958 retained).
Molecular consequence: synonymous variant. On other transcripts: non-coding transcript variant (2), intron variant (1).
Genome position (GRCh38, 1-based): chr1:197,434,737, C>T. VCF-style: chr1-197434737-C-T. GRCh37 (hg19) VCF-style: chr1-197403867-C-T.
Other names: c.2538C>T, p.Ser846= (NM_001193640.2); c.2802C>T, p.Ser934= (NM_001257965.2); c.2129-863C>T (NM_001257966.2).
Identifiers: ClinVar variation 783243 (VCV000783243.16), dbSNP rs372778560, ClinGen allele CA1312240.
Genomic context (GRCh38, chr1:197,434,737, plus strand): 5'-TATTGATTATTATCACCTTCTCTCATTAGGTATTGCAAATGCTGTTTTTAATGGACAAAG[C>T]GGTCAAATATTATTCAGAAGCAATGGGAATATTACCAGAGAACTCACCAATATCACATTT-3'
Protein context (NP_957705.1, residues 948-968): CIANAVFNGQ[Ser958=]GQILFRSNGN

ClinVar aggregate classification (germline): Conflicting classifications of pathogenicity. Review status: criteria provided, conflicting classifications (1 of 4 stars). 6 submissions from 4 submitters: Uncertain significance (2); Likely benign (3). 1 of the submissions does not count toward it. Last evaluated 2025-11-15.

Conditions:
Retinitis pigmentosa 12 (RP12). Also called: RP WITH OR WITHOUT PRESERVED PARAARTERIOLE RETINAL PIGMENT EPITHELIUM; RETINITIS PIGMENTOSA WITH OR WITHOUT PARAARTERIOLAR PRESERVATION OF RETINAL PIGMENT EPITHELIUM; RP WITH OR WITHOUT PPRPE. Identifiers: Orphanet 791, MedGen C1838647, MONDO:0010818, OMIM 600105.
Leber congenital amaurosis 8 (LCA8). Identifiers: Orphanet 65, MedGen C3151202, MONDO:0013453, OMIM 613835.
Leber congenital amaurosis (LCA). Also called: Leber's amaurosis. Identifiers: Orphanet 65, MedGen C0339527, MeSH D057130, MONDO:0018998.
Retinitis pigmentosa (RP). Identifiers: Orphanet 791, MedGen C0035334, MeSH D012174, MONDO:0019200, OMIM 268000. Inheritance: Autosomal dominant, autosomal recessive and X linked inheritance.
Pigmented paravenous retinochoroidal atrophy. Identifiers: Orphanet 251295, MedGen C1868310, MONDO:0008246, OMIM 172870.

Allele frequency attached by ClinVar (database versions not stated): gnomAD 0.00003; TOPMed 0.00003; ExAC 0.00008.
gnomAD v4.1: 126 of 1,613,282 alleles (0.0078%); highest among the groups gnomAD compares: South Asian, 0.048%; no homozygotes.

Submissions (6):

Labcorp Genetics (formerly Invitae), Labcorp
Classification: Likely benign for Leber congenital amaurosis 8; Retinitis pigmentosa 12. Last evaluated: 2025-11-15. Review status: criteria provided, single submitter. Criteria: Invitae Variant Classification Sherloc (09022015). Collection method: clinical testing. Allele origin: germline.

Blueprint Genetics
Classification: Likely benign. Last evaluated: 2024-10-22. Review status: criteria provided, single submitter. Criteria: ACMG Guidelines, 2015. Collection method: clinical testing. Allele origin: germline.

Illumina Laboratory Services, Illumina
Classification: Likely benign for Pigmented paravenous retinochoroidal atrophy. Last evaluated: 2018-01-13. Review status: criteria provided, single submitter. Criteria: ICSL Variant Classification Criteria 13 December 2019. Collection method: clinical testing. Allele origin: germline.
Comment: This variant was observed in the ICSL laboratory as part of a predisposition screen in an ostensibly healthy population. It had not been previously curated by ICSL or reported in the Human Gene Mutation Database (HGMD: prior to June 1st, 2018), and was therefore a candidate for classification through an automated scoring system. Utilizing variant allele frequency, disease prevalence and penetrance estimates, and inheritance mode, an automated score was calculated to assess if this variant is too frequent to cause the disease. Based on the score and internal cut-off values, a variant classified as likely benign is not then subjected to further curation. The score for this variant resulted in a classification of likely benign for this disease.

Illumina Laboratory Services, Illumina
Classification: Uncertain significance for Leber congenital amaurosis 8. Last evaluated: 2018-01-13. Review status: criteria provided, single submitter. Criteria: ICSL Variant Classification Criteria 13 December 2019. Collection method: clinical testing. Allele origin: germline.

Illumina Laboratory Services, Illumina
Classification: Uncertain significance for Retinitis pigmentosa. Last evaluated: 2018-01-13. Review status: criteria provided, single submitter. Criteria: ICSL Variant Classification Criteria 13 December 2019. Collection method: clinical testing. Allele origin: germline.

Natera, Inc.
Classification: Uncertain significance for Leber congenital amaurosis. Last evaluated: 2020-01-17. Review status: no assertion criteria provided. Collection method: clinical testing. Allele origin: germline. Not counted in ClinVar's aggregate classification.